The following is an entry in ClinVar:

NM_018180.3(DHX32):c.1958C>G (p.Ser653Cys)

Genes: DHX32 (DEAH-box helicase 32 (putative); minus strand), BCCIP (BRCA2 and CDKN1A interacting protein; plus strand). Cytogenetic location: 10q26.2.
Variant type: single nucleotide variant.
Coding change: c.1958C>G on transcript NM_018180.3 (MANE Select); coding-DNA position 1958, C replaced by G.
Protein change: p.Ser653Cys; replaces serine 653 with cysteine.
Molecular consequence: missense variant. On other transcripts: intron variant (2).
Genome position (GRCh38, 1-based): chr10:125,838,311, G>C on the plus strand (C>G on the coding strand, the complement: DHX32 is on the minus strand). VCF-style: chr10-125838311-G-C. GRCh37 (hg19) VCF-style: chr10-127526880-G-C.
Other names: c.775-2944G>C (NM_016567.4, NM_078469.3); short protein forms S653C.
Identifiers: ClinVar variation 1511424 (VCV001511424.6), dbSNP rs2134021103, ClinGen allele CA378672601.

ClinVar aggregate classification (germline): Uncertain significance (1 of 4 stars; one submission).

Allele frequency attached by ClinVar (database versions not stated): gnomAD exomes 0.00001.
gnomAD v4.1: 7 of 1,613,962 alleles (0.00043%); highest among the groups gnomAD compares: Admixed American, 0.0017%; no homozygotes.

Submission:

Labcorp Genetics (formerly Invitae), Labcorp
Classification: Uncertain significance. Last evaluated: 2022-07-09. Review status: criteria provided, single submitter. Criteria: Invitae Variant Classification Sherloc (09022015). Collection method: clinical testing. Allele origin: germline.
Comment: In summary, the available evidence is currently insufficient to determine the role of this variant in disease. Therefore, it has been classified as a Variant of Uncertain Significance. This sequence change replaces serine, which is neutral and polar, with cysteine, which is neutral and slightly polar, at codon 653 of the DHX32 protein (p.Ser653Cys). This variant is not present in population databases (gnomAD no frequency). This variant has not been reported in the literature in individuals affected with DHX32-related conditions. ClinVar contains an entry for this variant (Variation ID: 1511424). Algorithms developed to predict the effect of missense changes on protein structure and function output the following: SIFT: "Deleterious"; PolyPhen-2: "Benign"; Align-GVGD: "Class C65". The cysteine amino acid residue is found in multiple mammalian species, which suggests that this missense change does not adversely affect protein function.